The following is an entry in ClinVar:

ClinVar aggregate classification (germline): Uncertain significance. Review status: criteria provided, multiple submitters, no conflicts (2 of 4 stars). 2 submissions from 2 submitters: Uncertain significance (2). Last evaluated 2024-06-20.

Submissions (2):

Ambry Genetics
Classification: Uncertain significance. Last evaluated: 2024-06-20. Review status: criteria provided, single submitter. Criteria: Ambry Variant Classification Scheme 2023. Collection method: clinical testing. Allele origin: germline.
Comment: The p.T173R variant (also known as c.518C>G), located in coding exon 1 of the TERF2IP gene, results from a C to G substitution at nucleotide position 518. The threonine at codon 173 is replaced by arginine, an amino acid with similar properties. This amino acid position is conserved. In addition, the in silico prediction for this alteration is inconclusive. Based on the available evidence, the clinical significance of this variant remains unclear.

Labcorp Genetics (formerly Invitae), Labcorp
Classification: Uncertain significance. Last evaluated: 2023-08-10. Review status: criteria provided, single submitter. Criteria: Invitae Variant Classification Sherloc (09022015). Collection method: clinical testing. Allele origin: germline.
Comment: In summary, the available evidence is currently insufficient to determine the role of this variant in disease. Therefore, it has been classified as a Variant of Uncertain Significance. An algorithm developed to predict the effect of missense changes on protein structure and function (PolyPhen-2) suggests that this variant is likely to be disruptive. This sequence change replaces threonine, which is neutral and polar, with arginine, which is basic and polar, at codon 173 of the TERF2IP protein (p.Thr173Arg). ClinVar contains an entry for this variant (Variation ID: 1970796). This variant is not present in population databases (gnomAD no frequency). This variant has not been reported in the literature in individuals affected with TERF2IP-related conditions.

NM_018975.4(TERF2IP):c.518C>G (p.Thr173Arg)

Gene: TERF2IP (TERF2 interacting protein; plus strand). Cytogenetic location: 16q23.1.
Variant type: single nucleotide variant.
Coding change: c.518C>G on transcript NM_018975.4 (MANE Select); coding-DNA position 518, C replaced by G.
Protein change: p.Thr173Arg; replaces threonine 173 with arginine.
Molecular consequence: missense variant. On other transcripts: non-coding transcript variant (1).
Genome position (GRCh38, 1-based): chr16:75,648,400, C>G. VCF-style: chr16-75648400-C-G. GRCh37 (hg19) VCF-style: chr16-75682298-C-G.
Other names: c.518C>G (NM_018975.3); short protein forms T173R.
Identifiers: ClinVar variation 1970796 (VCV001970796.6), dbSNP rs755128141, ClinGen allele CA396818075.